The following is an entry in ClinVar:

ClinVar aggregate classification (germline): Uncertain significance. Review status: criteria provided, multiple submitters, no conflicts (2 of 4 stars). 2 submissions from 2 submitters: Uncertain significance (2). Last evaluated 2023-10-16.

Conditions:
Inborn genetic diseases. Identifiers: MedGen C0950123, MeSH D030342.

Allele frequency attached by ClinVar (database versions not stated): gnomAD 0.00001; ExAC 0.00002; TOPMed 0.00003.
gnomAD v4.1: 17 of 1,612,264 alleles (0.0011%); highest among the groups gnomAD compares: Admixed American, 0.0067%; no homozygotes.

Submissions (2):

Labcorp Genetics (formerly Invitae), Labcorp
Classification: Uncertain significance. Last evaluated: 2023-10-16. Review status: criteria provided, single submitter. Criteria: Invitae Variant Classification Sherloc (09022015). Collection method: clinical testing. Allele origin: germline.
Comment: This sequence change replaces glutamic acid, which is acidic and polar, with lysine, which is basic and polar, at codon 924 of the AP3B2 protein (p.Glu924Lys). This variant is present in population databases (rs750043916, gnomAD 0.01%). This variant has not been reported in the literature in individuals affected with AP3B2-related conditions. ClinVar contains an entry for this variant (Variation ID: 1899559). An algorithm developed to predict the effect of missense changes on protein structure and function (PolyPhen-2) suggests that this variant is likely to be tolerated. In summary, the available evidence is currently insufficient to determine the role of this variant in disease. Therefore, it has been classified as a Variant of Uncertain Significance.

Ambry Genetics
Classification: Uncertain significance for Inborn genetic diseases. Last evaluated: 2021-09-01. Review status: criteria provided, single submitter. Criteria: Ambry Variant Classification Scheme 2023. Collection method: clinical testing. Allele origin: germline.

NM_001278512.2(AP3B2):c.2827G>A (p.Glu943Lys)

Genes: AP3B2 (adaptor related protein complex 3 subunit beta 2; minus strand), CPEB1-AS1 (CPEB1 antisense RNA 1; plus strand). Cytogenetic location: 15q25.2.
Variant type: single nucleotide variant.
Coding change: c.2827G>A on transcript NM_001278512.2 (MANE Select); coding-DNA position 2827, G replaced by A.
Protein change: p.Glu943Lys; replaces glutamic acid 943 with lysine.
Molecular consequence: missense variant.
Genome position (GRCh38, 1-based): chr15:82,662,700, C>T on the plus strand (G>A on the coding strand, the complement: AP3B2 is on the minus strand). VCF-style: chr15-82662700-C-T. GRCh37 (hg19) VCF-style: chr15-83331452-C-T.
Other names: c.2674G>A, p.Glu892Lys (NM_001278511.2); c.2770G>A, p.Glu924Lys (NM_004644.5); short protein forms E892K, E924K, E943K.
Identifiers: ClinVar variation 1899559 (VCV001899559.6), dbSNP rs750043916, ClinGen allele CA7699793.